The following is an entry in ClinVar:

ClinVar aggregate classification (germline): Likely benign (0 of 4 stars; one submission).

Conditions:
KATNAL2-related disorder. Also called: KATNAL2-related condition.

Allele frequency attached by ClinVar (database versions not stated): TOPMed 0.00007; gnomAD 0.00013; ExAC 0.00066; 1000 Genomes Project 30x 0.00094; 1000 Genomes Project 0.00120.
gnomAD v4.1: 395 of 1,612,334 alleles (0.024%); highest among the groups gnomAD compares: South Asian, 0.4%; 2 homozygotes.

Submission:

PreventionGenetics, part of Exact Sciences
Classification: Likely benign for KATNAL2-related condition. Last evaluated: 2022-03-09. Review status: no assertion criteria provided. Collection method: clinical testing. Allele origin: germline.
Comment: This variant is classified as likely benign based on ACMG/AMP sequence variant interpretation guidelines (Richards et al. 2015 PMID: 25741868, with internal and published modifications).

NM_001387690.1(KATNAL2):c.173G>A (p.Arg58Gln)

Gene: KATNAL2 (katanin catalytic subunit A1 like 2; plus strand). Cytogenetic location: 18q21.1.
Variant type: single nucleotide variant.
Coding change: c.173G>A on transcript NM_001387690.1 (MANE Select); coding-DNA position 173, G replaced by A.
Protein change: p.Arg58Gln; replaces arginine 58 with glutamine.
Molecular consequence: missense variant. On other transcripts: 5 prime UTR variant (2), non-coding transcript variant (1), intron variant (6).
Genome position (GRCh38, 1-based): chr18:47,052,930, G>A. VCF-style: chr18-47052930-G-A. GRCh37 (hg19) VCF-style: chr18-44579301-G-A.
Other names: c.251G>A, p.Arg84Gln (NM_001353899.1, NM_001353900.1, NM_001353902.1); c.173G>A, p.Arg58Gln (NM_001353901.1, NM_001367621.1); c.-173G>A (NM_001353905.1); c.-44G>A (NM_031303.3); c.-1-5305G>A (NM_001353904.1, NM_001353903.1, NM_001353907.1 and 3 more transcripts); short protein forms R58Q, R84Q.
Identifiers: ClinVar variation 3054103 (VCV003054103.2), dbSNP rs199680904, ClinGen allele CA8954860.
Genomic context (GRCh38, chr18:47,052,930, plus strand): 5'-AAACTGCCAGGTATATCGATACAGCAAATGCTTTGGAGCAAGAAACTAAACTGGGGTTAC[G>A]ACGGTTTGAAGTTTGTGACAACATTGATCTTGAAACTATTTTGATGGAATATGAGAGTTA-3'
Protein context (NP_001374619.1, residues 48-68): ALEQETKLGL[Arg58Gln]RFEVCDNIDL